The following is an entry in ClinVar:

ClinVar aggregate classification (germline): Benign/Likely benign. Review status: criteria provided, multiple submitters, no conflicts (2 of 4 stars). 4 submissions from 4 submitters: Benign (2); Likely benign (1). 1 of the submissions does not count toward it. Last evaluated 2024-11-06.

Conditions:
ITGA2-related disorder. Also called: ITGA2-related condition.
Platelet-type bleeding disorder 9 (BDPLT9). Also called: GLYCOPROTEIN Ia DEFICIENCY; GP Ia DEFICIENCY; COLLAGEN PLATELET RECEPTOR DEFICIENCY. Identifiers: Orphanet 73271, Orphanet 98886, MedGen C3280114, MONDO:0013622, OMIM 614200.

Allele frequency attached by ClinVar (database versions not stated): TOPMed 0.00052; ExAC 0.00101; gnomAD exomes 0.00102 and 0.00024; 1000 Genomes Project 30x 0.00203; 1000 Genomes Project 0.00220; gnomAD 0.00042 and 0.00050.
gnomAD v4.1: 449 of 1,613,026 alleles (0.028%); highest among the groups gnomAD compares: East Asian, 0.82%; 3 homozygotes.

Submissions (4):

Blueprint Genetics
Classification: Likely benign. Last evaluated: 2024-11-06. Review status: criteria provided, single submitter. Criteria: ACMG Guidelines, 2015. Collection method: clinical testing. Allele origin: germline.

Illumina Laboratory Services, Illumina
Classification: Benign for Platelet-type bleeding disorder 9. Last evaluated: 2018-01-13. Review status: criteria provided, single submitter. Criteria: ICSL Variant Classification Criteria 13 December 2019. Collection method: clinical testing. Allele origin: germline.
Comment: This variant was observed in the ICSL laboratory as part of a predisposition screen in an ostensibly healthy population. It had not been previously curated by ICSL or reported in the Human Gene Mutation Database (HGMD: prior to June 1st, 2018), and was therefore a candidate for classification through an automated scoring system. Utilizing variant allele frequency, disease prevalence and penetrance estimates, and inheritance mode, an automated score was calculated to assess if this variant is too frequent to cause the disease. Based on the score and internal cut-off values, a variant classified as benign is not then subjected to further curation. The score for this variant resulted in a classification of benign for this disease.

Breakthrough Genomics
Classification: Benign. Review status: criteria provided, single submitter. Criteria: ACMG Guidelines, 2015. Collection method: not provided. Allele origin: germline. Inheritance: Unknown mechanism. Affected: yes.

PreventionGenetics, part of Exact Sciences
Classification: Benign for ITGA2-related condition. Last evaluated: 2019-10-31. Review status: no assertion criteria provided. Collection method: clinical testing. Allele origin: germline. Not counted in ClinVar's aggregate classification.
Comment: This variant is classified as benign based on ACMG/AMP sequence variant interpretation guidelines (Richards et al. 2015 PMID: 25741868, with internal and published modifications).

NM_002203.4(ITGA2):c.633G>A (p.Val211=)

Gene: ITGA2 (integrin subunit alpha 2; plus strand). Cytogenetic location: 5q11.2.
Variant type: single nucleotide variant.
Coding change: c.633G>A on transcript NM_002203.4 (MANE Select); coding-DNA position 633, G replaced by A.
Protein change: p.Val211=; no amino-acid change (valine 211 retained).
Molecular consequence: synonymous variant. On other transcripts: non-coding transcript variant (5).
Genome position (GRCh38, 1-based): chr5:53,051,413, G>A. VCF-style: chr5-53051413-G-A. GRCh37 (hg19) VCF-style: chr5-52347243-G-A.
Identifiers: ClinVar variation 353738 (VCV000353738.9), dbSNP rs26675, ClinGen allele CA3262674.